The following is an entry in ClinVar:

ClinVar aggregate classification (germline): Uncertain significance (1 of 4 stars; one submission).

Allele frequency attached by ClinVar (database versions not stated): TOPMed 0.00002; gnomAD exomes 0.00004; gnomAD 0.00005; ExAC 0.00012; 1000 Genomes Project 30x 0.00031; 1000 Genomes Project 0.00040.
gnomAD v4.1: 69 of 1,610,726 alleles (0.0043%); highest among the groups gnomAD compares: South Asian, 0.027%; no homozygotes.

Submission:

Labcorp Genetics (formerly Invitae), Labcorp
Classification: Uncertain significance. Last evaluated: 2023-02-26. Review status: criteria provided, single submitter. Criteria: Invitae Variant Classification Sherloc (09022015). Collection method: clinical testing. Allele origin: germline.
Comment: In summary, the available evidence is currently insufficient to determine the role of this variant in disease. Therefore, it has been classified as a Variant of Uncertain Significance. Algorithms developed to predict the effect of missense changes on protein structure and function output the following: SIFT: "Not Available"; PolyPhen-2: "Benign"; Align-GVGD: "Not Available". The glutamine amino acid residue is found in multiple mammalian species, which suggests that this missense change does not adversely affect protein function. This variant has not been reported in the literature in individuals affected with KANK2-related conditions. This variant is present in population databases (rs542524034, gnomAD 0.06%). This sequence change replaces arginine, which is basic and polar, with glutamine, which is neutral and polar, at codon 274 of the KANK2 protein (p.Arg274Gln).

NM_001136191.3(KANK2):c.821G>A (p.Arg274Gln)

Gene: KANK2 (KN motif and ankyrin repeat domains 2; minus strand). Cytogenetic location: 19p13.2.
Variant type: single nucleotide variant.
Coding change: c.821G>A on transcript NM_001136191.3 (MANE Select); coding-DNA position 821, G replaced by A.
Protein change: p.Arg274Gln; replaces arginine 274 with glutamine.
Molecular consequence: missense variant.
Genome position (GRCh38, 1-based): chr19:11,193,259, C>T on the plus strand (G>A on the coding strand, the complement: KANK2 is on the minus strand). VCF-style: chr19-11193259-C-T. GRCh37 (hg19) VCF-style: chr19-11303935-C-T.
Other names: c.821G>A, p.Arg274Gln (NM_001329451.2, NM_001379548.1, NM_001379549.1 and 15 more transcripts); short protein forms R274Q.
Identifiers: ClinVar variation 2900414 (VCV002900414.3), dbSNP rs542524034, ClinGen allele CA9205966.
Genomic context (GRCh38, chr19:11,193,259, plus strand): 5'-GTCTCCAGCACAGCGACCTTGGCGGCGAGGGCAGCCTCCCCATCAGGCATGCCCAAGTCC[C>T]GTTCTCGAACCCAGGTGCCCACACTCCGGGTCTCCAGTGCCACTGGGTCCTCTGGGGGAT-3'
Protein context (NP_001129663.1, residues 264-284): TRSVGTWVRE[Arg274Gln]DLGMPDGEAA